The following is an entry in ClinVar:

ClinVar aggregate classification (germline): Benign/Likely benign. Review status: criteria provided, multiple submitters, no conflicts (2 of 4 stars). 3 submissions from 3 submitters: Benign (1); Likely benign (2). Last evaluated 2025-12-10.

Allele frequency attached by ClinVar (database versions not stated): gnomAD exomes 0.00019 and 0.00056; ExAC 0.00083; gnomAD 0.00210 and 0.00230; TOPMed 0.00238; 1000 Genomes Project 0.00260; ESP Exome Variant Server 0.00269; 1000 Genomes Project 30x 0.00281.
gnomAD v4.1: 608 of 1,608,732 alleles (0.038%); highest among the groups gnomAD compares: African/African-American, 0.73%; 2 homozygotes.

Submissions (3):

Labcorp Genetics (formerly Invitae), Labcorp
Classification: Benign. Last evaluated: 2025-12-10. Review status: criteria provided, single submitter. Criteria: Invitae Variant Classification Sherloc (09022015). Collection method: clinical testing. Allele origin: germline.

CeGaT Center for Human Genetics Tuebingen
Classification: Likely benign. Last evaluated: 2025-07-01. Review status: criteria provided, single submitter. Criteria: CeGaT Center For Human Genetics Tuebingen Variant Classification Criteria Version 2. Collection method: clinical testing. Allele origin: germline. Affected: yes. Observed: 3 variant alleles.
Comment: LAMA1: BP4, BP7

Blueprint Genetics
Classification: Likely benign. Last evaluated: 2024-08-28. Review status: criteria provided, single submitter. Criteria: ACMG Guidelines, 2015. Collection method: clinical testing. Allele origin: germline.

NM_005559.4(LAMA1):c.3559T>C (p.Leu1187=)

Gene: LAMA1 (laminin subunit alpha 1; minus strand). Cytogenetic location: 18p11.31.
Variant type: single nucleotide variant.
Coding change: c.3559T>C on transcript NM_005559.4 (MANE Select); coding-DNA position 3559, T replaced by C.
Protein change: p.Leu1187=; no amino-acid change (leucine 1187 retained).
Molecular consequence: synonymous variant.
Genome position (GRCh38, 1-based): chr18:7,011,428, A>G on the plus strand (T>C on the coding strand, the complement: LAMA1 is on the minus strand). VCF-style: chr18-7011428-A-G. GRCh37 (hg19) VCF-style: chr18-7011427-A-G.
Identifiers: ClinVar variation 725304 (VCV000725304.34), dbSNP rs141269552, ClinGen allele CA8882232.
Genomic context (GRCh38, chr18:7,011,428, plus strand): 5'-TGGCGGCATCCAGCAGGAAGTCGGGGGCCTGGTAGTAAACCCCCTCGGTCGTGCCCCTCA[A>G]GTTACTCTGAGAAACCACACGCAGAAGAGGCTGATCGGAGCCCAGCGTTACCTAAACCAC-3'
Protein context (NP_005550.2, residues 1177-1197): PLLRVVSQSN[Leu1187=]RGTTEGVYYQ